The following is an entry in ClinVar:

ClinVar aggregate classification (germline): Uncertain significance. Review status: criteria provided, multiple submitters, no conflicts (2 of 4 stars). 7 submissions from 7 submitters: Uncertain significance (5). 2 of the submissions do not count toward it. Last evaluated 2025-08-28.

Conditions:
Leber congenital amaurosis (LCA). Also called: Leber's amaurosis. Identifiers: Orphanet 65, MedGen C0339527, MeSH D057130, MONDO:0018998.
Bardet-Biedl syndrome 14 (BBS14). Identifiers: Orphanet 110, MedGen C2673874, MONDO:0014442, OMIM 615991.
Leber congenital amaurosis 10 (LCA10). Identifiers: Orphanet 65, MedGen C1857821, MONDO:0012723, OMIM 611755.
Meckel syndrome, type 4 (MKS4). Also called: MECKEL-GRUBER SYNDROME, TYPE 4. Identifiers: Orphanet 564, MedGen C1970161, MONDO:0012626, OMIM 611134.
Joubert syndrome 5 (JBTS5). Identifiers: Orphanet 2318, MedGen C1857780, MONDO:0012432, OMIM 610188.
Senior-Loken syndrome 6 (SLSN6). Identifiers: Orphanet 3156, MedGen C1857779, MONDO:0012433, OMIM 610189.
Inborn genetic diseases. Identifiers: MedGen C0950123, MeSH D030342.
CEP290-related disorder. Also called: CEP290-related condition; CEP290-related disorders. Identifiers: MedGen CN239314.
Nephronophthisis. Also called: Juvenile Nephronophthisis. Identifiers: Orphanet 655, MedGen C0687120, MONDO:0019005, HP:0000090.
Meckel-Gruber syndrome. Also called: DYSENCEPHALIA SPLANCHNOCYSTICA; Dysencephalia splachnocystica; GRUBER SYNDROME. Identifiers: Orphanet 564, MedGen C0265215, MONDO:0018921.
Joubert syndrome. Also called: Familial aplasia of the vermis; JOUBERT-BOLTSHAUSER SYNDROME. Identifiers: Orphanet 475, MedGen C5979921, MONDO:0018772.

Allele frequency attached by ClinVar (database versions not stated): gnomAD 0.00001; gnomAD exomes 0.00001 and 0.00003; ExAC 0.00002; TOPMed 0.00003; ESP Exome Variant Server 0.00017.
gnomAD v4.1: 46 of 1,613,692 alleles (0.0029%); highest among the groups gnomAD compares: African/African-American, 0.004%; no homozygotes.

Submissions (7):

Ambry Genetics
Classification: Uncertain significance for Inborn genetic diseases. Last evaluated: 2025-08-28. Review status: criteria provided, single submitter. Criteria: Ambry Variant Classification Scheme 2023. Collection method: clinical testing. Allele origin: germline.

Labcorp Genetics (formerly Invitae), Labcorp
Classification: Uncertain significance for Joubert syndrome; Meckel-Gruber syndrome; Nephronophthisis. Last evaluated: 2024-10-22. Review status: criteria provided, single submitter. Criteria: Invitae Variant Classification Sherloc (09022015). Collection method: clinical testing. Allele origin: germline.
Comment: This sequence change replaces glycine, which is neutral and non-polar, with arginine, which is basic and polar, at codon 1276 of the CEP290 protein (p.Gly1276Arg). This variant is present in population databases (rs267603712, gnomAD 0.004%). This variant has not been reported in the literature in individuals affected with CEP290-related conditions. ClinVar contains an entry for this variant (Variation ID: 79258). Invitae Evidence Modeling of protein sequence and biophysical properties (such as structural, functional, and spatial information, amino acid conservation, physicochemical variation, residue mobility, and thermodynamic stability) indicates that this missense variant is expected to disrupt CEP290 protein function with a positive predictive value of 80%. In summary, the available evidence is currently insufficient to determine the role of this variant in disease. Therefore, it has been classified as a Variant of Uncertain Significance.

Fulgent Genetics
Classification: Uncertain significance for Joubert syndrome 5; Senior-Loken syndrome 6; Meckel syndrome, type 4; Leber congenital amaurosis 10; Bardet-Biedl syndrome 14. Last evaluated: 2022-01-14. Review status: criteria provided, single submitter. Criteria: ACMG Guidelines, 2015. Collection method: clinical testing. Allele origin: unknown.

Blueprint Genetics
Classification: Uncertain significance. Last evaluated: 2019-01-29. Review status: criteria provided, single submitter. Criteria: ACMG Guidelines, 2015. Collection method: clinical testing. Allele origin: germline.

Eurofins Ntd Llc (ga)
Classification: Uncertain significance. Last evaluated: 2016-05-20. Review status: criteria provided, single submitter. Criteria: EGL Classification Definitions 2015. Collection method: clinical testing. Allele origin: germline. Observed: 1 variant allele, 1 heterozygote.

PreventionGenetics, part of Exact Sciences
Classification: Uncertain significance for CEP290-related condition. Last evaluated: 2024-09-23. Review status: no assertion criteria provided. Collection method: clinical testing. Allele origin: germline. Not counted in ClinVar's aggregate classification.
Comment: The CEP290 c.3826G>A variant is predicted to result in the amino acid substitution p.Gly1276Arg. To our knowledge, this variant has not been reported in the literature. This variant is reported in 0.0065% of alleles in individuals of African descent in gnomAD. At this time, the clinical significance of this variant is uncertain due to the absence of conclusive functional and genetic evidence.

Natera, Inc.
Classification: Uncertain significance for Leber congenital amaurosis. Last evaluated: 2020-09-16. Review status: no assertion criteria provided. Collection method: clinical testing. Allele origin: germline. Not counted in ClinVar's aggregate classification.

NM_025114.4(CEP290):c.3826G>A (p.Gly1276Arg)

Gene: CEP290 (centrosomal protein 290; minus strand). Cytogenetic location: 12q21.32.
Variant type: single nucleotide variant.
Coding change: c.3826G>A on transcript NM_025114.4 (MANE Select); coding-DNA position 3826, G replaced by A.
Protein change: p.Gly1276Arg; replaces glycine 1276 with arginine.
Molecular consequence: missense variant.
Genome position (GRCh38, 1-based): chr12:88,089,235, C>T on the plus strand (G>A on the coding strand, the complement: CEP290 is on the minus strand). VCF-style: chr12-88089235-C-T. GRCh37 (hg19) VCF-style: chr12-88483012-C-T.
Other names: short protein forms G1276R.
Identifiers: ClinVar variation 79258 (VCV000079258.17), dbSNP rs267603712, ClinGen allele CA6712075.